The following is an entry in ClinVar:

NM_015599.3(PGM3):c.1540-6T>A

Genes: DOP1A (DOP1 leucine zipper like protein A; plus strand), PGM3 (phosphoglucomutase 3; minus strand). Cytogenetic location: 6q14.1.
Variant type: single nucleotide variant.
Coding change: c.1540-6T>A on transcript NM_015599.3 (MANE Select); 6 bases into the intron before coding-DNA position 1540, T replaced by A.
Molecular consequence: intron variant.
Genome position (GRCh38, 1-based): chr6:83,169,329, A>T on the plus strand (T>A on the coding strand, the complement: PGM3 is on the minus strand). VCF-style: chr6-83169329-A-T. GRCh37 (hg19) VCF-style: chr6-83879048-A-T.
Other names: c.1624-6T>A (NM_001199917.2, NM_001367287.1); c.1301-6T>A (NM_001199918.2); c.1417-6T>A (NM_001367286.1); c.1540-6T>A (NM_001199919.2).
Identifiers: ClinVar variation 4743107 (VCV004743107.1).

ClinVar aggregate classification (germline): Uncertain significance (1 of 4 stars; one submission).

Conditions:
Immunodeficiency 23 (IMD23). Also called: IMMUNODEFICIENCY WITH HYPER IgE AND COGNITIVE IMPAIRMENT; IMMUNODEFICIENCY-VASCULITIS-MYOCLONUS SYNDROME. Identifiers: Orphanet 443811, MedGen C4014371, MONDO:0014353, OMIM 615816.

gnomAD v4.1: 1 of 1,613,516 alleles (0.000062%); highest among the groups gnomAD compares: Non-Finnish European, 0.000085%; no homozygotes.

Submission:

Labcorp Genetics (formerly Invitae), Labcorp
Classification: Uncertain significance for Immunodeficiency 23. Last evaluated: 2025-04-22. Review status: criteria provided, single submitter. Criteria: Invitae Variant Classification Sherloc (09022015). Collection method: clinical testing. Allele origin: germline.
Comment: This sequence change falls in intron 13 of the PGM3 gene. It does not directly change the encoded amino acid sequence of the PGM3 protein. This variant is not present in population databases (gnomAD no frequency). This variant has not been reported in the literature in individuals affected with PGM3-related conditions. Algorithms developed to predict the effect of sequence changes on RNA splicing suggest that this variant may disrupt the consensus splice site. In summary, the available evidence is currently insufficient to determine the role of this variant in disease. Therefore, it has been classified as a Variant of Uncertain Significance.